The following is an entry in ClinVar:

NM_001199267.2(DGKZ):c.162-733C>G

Gene: DGKZ (diacylglycerol kinase zeta; plus strand). Cytogenetic location: 11p11.2.
Variant type: single nucleotide variant.
Coding change: c.162-733C>G on transcript NM_001199267.2 (MANE Select); 733 bases into the intron before coding-DNA position 162, C replaced by G.
Molecular consequence: intron variant. On other transcripts: missense variant (1).
Genome position (GRCh38, 1-based): chr11:46,366,558, C>G. VCF-style: chr11-46366558-C-G. GRCh37 (hg19) VCF-style: chr11-46388108-C-G.
Other names: c.302C>G, p.Ala101Gly (NM_001105540.2); c.213-733C>G (NM_201532.3); c.177-733C>G (NM_201533.3); c.162-733C>G (NM_001199266.2, NM_003646.4, NM_001199268.2); c.302C>G (NM_001105540.1); short protein forms A101G.
Identifiers: ClinVar variation 1353505 (VCV001353505.7), dbSNP rs760495210, ClinGen allele CA5962127.
Genomic context (GRCh38, chr11:46,366,558, plus strand): 5'-CCTGCAACCCCCGCTTCATCGTGGATAAGGTGCTCACTCCACAGCCTACCACCGTGGGGG[C>G]CCAGCTTCTGGGTGCACCCCTGCTGTTGACCGGGCTTGTGGGCATGAATGAGGAGGAGGG-3'

ClinVar aggregate classification (germline): Uncertain significance. Review status: criteria provided, multiple submitters, no conflicts (2 of 4 stars). 2 submissions from 2 submitters: Uncertain significance (2). Last evaluated 2025-10-06.

Allele frequency attached by ClinVar (database versions not stated): gnomAD 0.00001; TOPMed 0.00005; gnomAD exomes 0.00008; ExAC 0.00009.
gnomAD v4.1: 31 of 1,602,510 alleles (0.0019%); highest among the groups gnomAD compares: Admixed American, 0.029%; 1 homozygote.

Submissions (2):

Labcorp Genetics (formerly Invitae), Labcorp
Classification: Uncertain significance. Last evaluated: 2025-10-06. Review status: criteria provided, single submitter. Criteria: Invitae Variant Classification Sherloc (09022015). Collection method: clinical testing. Allele origin: germline.
Comment: This sequence change replaces alanine, which is neutral and non-polar, with glycine, which is neutral and non-polar, at codon 101 of the DGKZ protein (p.Ala101Gly). This variant is present in population databases (rs760495210, gnomAD 0.05%). This variant has not been reported in the literature in individuals affected with DGKZ-related conditions. ClinVar contains an entry for this variant (Variation ID: 1353505). An algorithm developed to predict the effect of missense changes on protein structure and function (PolyPhen-2) suggests that this variant is likely to be tolerated. In summary, the available evidence is currently insufficient to determine the role of this variant in disease. Therefore, it has been classified as a Variant of Uncertain Significance.

Ambry Genetics
Classification: Uncertain significance. Last evaluated: 2025-02-25. Review status: criteria provided, single submitter. Criteria: Ambry Variant Classification Scheme 2023. Collection method: clinical testing. Allele origin: germline.